The following is an entry in ClinVar:

NM_000038.6(APC):c.3488G>T (p.Ser1163Ile)

Gene: APC (APC regulator of Wnt signaling pathway; plus strand). Cytogenetic location: 5q22.2.
Variant type: single nucleotide variant.
Coding change: c.3488G>T on transcript NM_000038.6 (MANE Select); coding-DNA position 3488, G replaced by T.
Protein change: p.Ser1163Ile; replaces serine 1163 with isoleucine.
Molecular consequence: missense variant.
Genome position (GRCh38, 1-based): chr5:112,839,082, G>T. VCF-style: chr5-112839082-G-T. GRCh37 (hg19) VCF-style: chr5-112174779-G-T.
Other names: c.3488G>T, p.Ser1163Ile (NM_001127510.3, NM_001354895.2); c.3434G>T, p.Ser1145Ile (NM_001127511.3); c.3542G>T, p.Ser1181Ile (NM_001354896.2); c.3518G>T, p.Ser1173Ile (NM_001354897.2); c.3413G>T, p.Ser1138Ile (NM_001354898.2); c.3404G>T, p.Ser1135Ile (NM_001354899.2); c.3365G>T, p.Ser1122Ile (NM_001354900.2); c.3311G>T, p.Ser1104Ile (NM_001354901.2); and 5 more; short protein forms S1072I, S1163I, S1173I, S1181I, S1003I, S1135I, S1062I, S1122I.
Identifiers: ClinVar variation 823831 (VCV000823831.16), dbSNP rs1580636114, ClinGen allele CA16028989.
Genomic context (GRCh38, chr5:112,839,082, plus strand): 5'-ATAGTGAACGTTACTCTGAAGAAGAACAGCATGAAGAAGAAGAGAGACCAACAAATTATA[G>T]CATAAAATATAATGAAGAGAAACGTCATGTGGATCAGCCTATTGATTATAGTTTAAAATA-3'
Protein context (NP_000029.2, residues 1153-1173): HEEEERPTNY[Ser1163Ile]IKYNEEKRHV

ClinVar aggregate classification (germline): Uncertain significance. Review status: criteria provided, multiple submitters, no conflicts (2 of 4 stars). 2 submissions from 2 submitters: Uncertain significance (2). Last evaluated 2025-08-28.

Conditions:
Hereditary cancer-predisposing syndrome. Also called: Neoplastic Syndromes, Hereditary; Tumor predisposition; Hereditary neoplastic syndrome; Hereditary Cancer Syndrome. Identifiers: Orphanet 140162, MedGen C0027672, MeSH D009386, MONDO:0015356.
Familial adenomatous polyposis 1 (FAP1). Also called: POLYPOSIS, ADENOMATOUS INTESTINAL; FAMILIAL ADENOMATOUS POLYPOSIS 1, ATTENUATED. Identifiers: MedGen C2713442, MONDO:0021056, OMIM 175100. Disease mechanism: loss of function.

Submissions (2):

Ambry Genetics
Classification: Uncertain significance for Hereditary cancer-predisposing syndrome. Last evaluated: 2025-08-28. Review status: criteria provided, single submitter. Criteria: Ambry Variant Classification Scheme 2023. Collection method: clinical testing. Allele origin: germline.
Comment: The p.S1163I variant (also known as c.3488G>T), located in coding exon 15 of the APC gene, results from a G to T substitution at nucleotide position 3488. The serine at codon 1163 is replaced by isoleucine, an amino acid with dissimilar properties. This amino acid position is well conserved in available vertebrate species. In addition, in silico predictors for this gene do not accurately predict pathogenicity. Missense alterations in APC are not a common cause of disease (Spier I et al. Genet Med. 2024 Feb;26(2):100992). Based on the available evidence, the clinical significance of this variant remains unclear.

Labcorp Genetics (formerly Invitae), Labcorp
Classification: Uncertain significance for Familial adenomatous polyposis 1. Last evaluated: 2022-05-20. Review status: criteria provided, single submitter. Criteria: Invitae Variant Classification Sherloc (09022015). Collection method: clinical testing. Allele origin: germline.
Comment: This sequence change replaces serine, which is neutral and polar, with isoleucine, which is neutral and non-polar, at codon 1163 of the APC protein (p.Ser1163Ile). This variant is not present in population databases (gnomAD no frequency). This variant has not been reported in the literature in individuals affected with APC-related conditions. ClinVar contains an entry for this variant (Variation ID: 823831). Algorithms developed to predict the effect of missense changes on protein structure and function are either unavailable or do not agree on the potential impact of this missense change (SIFT: "Deleterious"; PolyPhen-2: "Probably Damaging"; Align-GVGD: "Class C0"). In summary, the available evidence is currently insufficient to determine the role of this variant in disease. Therefore, it has been classified as a Variant of Uncertain Significance.